The following is an entry in ClinVar:

NM_018122.5(DARS2):c.228-19C>T

Gene: DARS2 (aspartyl-tRNA synthetase 2, mitochondrial; plus strand). Cytogenetic location: 1q25.1.
Variant type: single nucleotide variant.
Coding change: c.228-19C>T on transcript NM_018122.5 (MANE Select); 19 bases into the intron before coding-DNA position 228, C replaced by T.
Molecular consequence: intron variant.
Genome position (GRCh38, 1-based): chr1:173,828,314, C>T. VCF-style: chr1-173828314-C-T. GRCh37 (hg19) VCF-style: chr1-173797452-C-T.
Other names: c.228-19C>T (NM_001365212.1, NM_001365213.2).
Identifiers: ClinVar variation 137069 (VCV000137069.5), dbSNP rs56302419, ClinGen allele CA290567.

ClinVar aggregate classification (germline): Benign/Likely benign. Review status: criteria provided, multiple submitters, no conflicts (2 of 4 stars). 3 submissions from 3 submitters: Benign (1); Likely benign (2). Last evaluated 2025-03-31.

Allele frequency attached by ClinVar (database versions not stated): gnomAD 0.00003; ExAC 0.00004; gnomAD exomes 0.00012; 1000 Genomes Project 0.00439.
gnomAD v4.1: 179 of 541,366 alleles (0.033%); highest among the groups gnomAD compares: African/African-American, 0.15%; 1 homozygote.

Submissions (3):

Labcorp Genetics (formerly Invitae), Labcorp
Classification: Likely benign. Last evaluated: 2025-03-31. Review status: criteria provided, single submitter. Criteria: Invitae Variant Classification Sherloc (09022015). Collection method: clinical testing. Allele origin: germline.

Blueprint Genetics
Classification: Likely benign. Last evaluated: 2024-11-01. Review status: criteria provided, single submitter. Criteria: ACMG Guidelines, 2015. Collection method: clinical testing. Allele origin: germline.

GeneDx
Classification: Benign. Last evaluated: 2014-01-07. Review status: criteria provided, single submitter. Criteria: GeneDx Variant Classification (06012015). Collection method: clinical testing. Allele origin: germline. Affected: yes.
Comment: This variant is considered likely benign or benign based on one or more of the following criteria: it is a conservative change, it occurs at a poorly conserved position in the protein, it is predicted to be benign by multiple in silico algorithms, and/or has population frequency not consistent with disease.